The following is an entry in ClinVar:

ClinVar aggregate classification (germline): Uncertain significance (1 of 4 stars; one submission).

Conditions:
Familial thoracic aortic aneurysm and aortic dissection (TAAD). Also called: Thoracic aortic aneurysms and dissections. Identifiers: Orphanet 91387, MedGen C4707243, MONDO:0019625.

Submission:

Ambry Genetics
Classification: Uncertain significance for Familial thoracic aortic aneurysm and aortic dissection. Last evaluated: 2026-05-03. Review status: criteria provided, single submitter. Criteria: Ambry Variant Classification Scheme 2023. Collection method: clinical testing. Allele origin: germline.
Comment: The p.C510Y variant (also known as c.1529G>A), located in coding exon 11 of the FBN2 gene, results from a G to A substitution at nucleotide position 1529. The cysteine at codon 510 is replaced by tyrosine, an amino acid with highly dissimilar properties. This amino acid position is conserved. In addition, this alteration is predicted to be deleterious by in silico analysis. Based on the available evidence, the clinical significance of this variant remains unclear.

NM_001999.4(FBN2):c.1529G>A (p.Cys510Tyr)

Gene: FBN2 (fibrillin 2; minus strand). Cytogenetic location: 5q23.3.
Variant type: single nucleotide variant.
Coding change: c.1529G>A on transcript NM_001999.4 (MANE Select); coding-DNA position 1529, G replaced by A.
Protein change: p.Cys510Tyr; replaces cysteine 510 with tyrosine.
Molecular consequence: missense variant.
Genome position (GRCh38, 1-based): chr5:128,392,092, C>T on the plus strand (G>A on the coding strand, the complement: FBN2 is on the minus strand). VCF-style: chr5-128392092-C-T. GRCh37 (hg19) VCF-style: chr5-127727785-C-T.
Other names: short protein forms C510Y.
Identifiers: ClinVar variation 4871258 (VCV004871258.1).
Genomic context (GRCh38, chr5:128,392,092, plus strand): 5'-TTTGCATCCTGCTTATAACCCATGTTGCATTCACATCGGTAGCTTGAGACAGTTGGTATA[C>T]AGCGTCCATTTAAACAAAGGTTAGCATGATGCTTACAGATATCTATTGTCTGGTTCAGAA-3'
Protein context (NP_001990.2, residues 500-520): HHANLCLNGR[Cys510Tyr]IPTVSSYRCE